The following is an entry in ClinVar:

NM_032656.4(DHX37):c.2374C>T (p.Arg792Ter)

Gene: DHX37 (DEAH-box helicase 37; minus strand). Cytogenetic location: 12q24.31.
Variant type: single nucleotide variant.
Coding change: c.2374C>T on transcript NM_032656.4 (MANE Select); coding-DNA position 2374, C replaced by T.
Protein change: p.Arg792Ter; replaces arginine 792 with a stop codon.
Molecular consequence: nonsense.
Genome position (GRCh38, 1-based): chr12:124,956,770, G>A on the plus strand (C>T on the coding strand, the complement: DHX37 is on the minus strand). VCF-style: chr12-124956770-G-A. GRCh37 (hg19) VCF-style: chr12-125441316-G-A.
Other names: short protein forms R792*.
Identifiers: ClinVar variation 4850224 (VCV004850224.1).

ClinVar aggregate classification (germline): Likely pathogenic (1 of 4 stars; one submission).

Conditions:
Neurodevelopmental disorder with brain anomalies and with or without vertebral or cardiac anomalies. Identifiers: MedGen C5231481, MONDO:0032888, OMIM 618731.

gnomAD v4.1: 3 of 1,610,912 alleles (0.00019%); highest among the groups gnomAD compares: Non-Finnish European, 0.00025%; no homozygotes.

Submission:

First Genomix Gene Laboratory, Genetic Diagnostics Department
Classification: Likely pathogenic for Neurodevelopmental disorder with brain anomalies and with or without vertebral or cardiac anomalies. Last evaluated: 2025-08-28. Review status: criteria provided, single submitter. Criteria: ACMG Guidelines, 2015. Collection method: clinical testing. Allele origin: germline. Inheritance: Autosomal recessive inheritance. Affected: no. Observed: 1 variant allele.